The following is an entry in ClinVar:

ClinVar aggregate classification (germline): Conflicting classifications of pathogenicity. Review status: criteria provided, conflicting classifications (1 of 4 stars). 2 submissions from 2 submitters: Uncertain significance (1); Likely benign (1). Last evaluated 2025-01-29.

Conditions:
Inborn genetic diseases. Identifiers: MedGen C0950123, MeSH D030342.
Premature ovarian failure 6 (POF6). Identifiers: MedGen C2676742, MONDO:0012861, OMIM 612310.

Allele frequency attached by ClinVar (database versions not stated): gnomAD 0.00029 and 0.00031; TOPMed 0.00029; ESP Exome Variant Server 0.00042.

Submissions (2):

Ambry Genetics
Classification: Uncertain significance for Inborn genetic diseases. Last evaluated: 2025-01-29. Review status: criteria provided, single submitter. Criteria: Ambry Variant Classification Scheme 2023. Collection method: clinical testing. Allele origin: germline.

Illumina Laboratory Services, Illumina
Classification: Likely benign for Premature ovarian failure 6. Last evaluated: 2018-01-12. Review status: criteria provided, single submitter. Criteria: ICSL Variant Classification Criteria 13 December 2019. Collection method: clinical testing. Allele origin: germline.
Comment: This variant was observed in the ICSL laboratory as part of a predisposition screen in an ostensibly healthy population. It had not been previously curated by ICSL or reported in the Human Gene Mutation Database (HGMD: prior to June 1st, 2018), and was therefore a candidate for classification through an automated scoring system. Utilizing variant allele frequency, disease prevalence and penetrance estimates, and inheritance mode, an automated score was calculated to assess if this variant is too frequent to cause the disease. Based on the score and internal cut-off values, a variant classified as likely benign is not then subjected to further curation. The score for this variant resulted in a classification of likely benign for this disease.

NM_001004311.3(FIGLA):c.277C>A (p.Pro93Thr)

Gene: FIGLA (folliculogenesis specific bHLH transcription factor; minus strand). Cytogenetic location: 2p13.3.
Variant type: single nucleotide variant.
Coding change: c.277C>A on transcript NM_001004311.3 (MANE Select); coding-DNA position 277, C replaced by A.
Protein change: p.Pro93Thr; replaces proline 93 with threonine.
Molecular consequence: missense variant.
Genome position (GRCh38, 1-based): chr2:70,787,756, G>T on the plus strand (C>A on the coding strand, the complement: FIGLA is on the minus strand). VCF-style: chr2-70787756-G-T. GRCh37 (hg19) VCF-style: chr2-71014888-G-T.
Other names: short protein forms P93T.
Identifiers: ClinVar variation 898224 (VCV000898224.7), dbSNP rs200665269, ClinGen allele CA1699684.